The following is an entry in ClinVar:

NM_000089.4(COL1A2):c.2360G>C (p.Gly787Ala)

Gene: COL1A2 (collagen type I alpha 2 chain; plus strand). Cytogenetic location: 7q21.3.
Variant type: single nucleotide variant.
Coding change: c.2360G>C on transcript NM_000089.4 (MANE Select); coding-DNA position 2360, G replaced by C.
Protein change: p.Gly787Ala; replaces glycine 787 with alanine.
Molecular consequence: missense variant.
Genome position (GRCh38, 1-based): chr7:94,421,909, G>C. VCF-style: chr7-94421909-G-C. GRCh37 (hg19) VCF-style: chr7-94051221-G-C.
Other names: short protein forms G787A.
Identifiers: ClinVar variation 1503924 (VCV001503924.8), dbSNP rs2115936945, ClinGen allele CA368223782.

ClinVar aggregate classification (germline): Pathogenic (1 of 4 stars; one submission).

Conditions:
Ehlers-Danlos syndrome, classic type, 1 (EDSCL1). Also called: EHLERS-DANLOS SYNDROME, GRAVIS TYPE; EHLERS-DANLOS SYNDROME, SEVERE CLASSIC TYPE; Ehlers-Danlos syndrome, type 1; Ehlers-Danlos Syndrome, Classic Type, COL5A1-Related; EDS I. Identifiers: MedGen C0268335, MONDO:0019567, OMIM 130000.
Osteogenesis imperfecta type I (OI1). Also called: OI, TYPE I; OSTEOGENESIS IMPERFECTA TARDA; OSTEOGENESIS IMPERFECTA WITH BLUE SCLERAE; Osteogenesis imperfecta type 1; Lobstein's Disease; Lobstein disease. Identifiers: Orphanet 216796, Orphanet 666, MedGen C0023931, MONDO:0008146, OMIM 166200. Disease mechanism: loss of function.

Submission:

Labcorp Genetics (formerly Invitae), Labcorp
Classification: Pathogenic for Osteogenesis imperfecta type I; Ehlers-Danlos syndrome, classic type, 1. Last evaluated: 2022-08-12. Review status: criteria provided, single submitter. Criteria: Invitae Variant Classification Sherloc (09022015). Collection method: clinical testing. Allele origin: germline.
Comment: For these reasons, this variant has been classified as Pathogenic. This variant disrupts the p.Gly787 amino acid residue in COL1A2. Other variant(s) that disrupt this residue have been observed in individuals with COL1A2-related conditions (PMID: 10627137, 21239989), which suggests that this may be a clinically significant amino acid residue. This variant disrupts the triple helix domain of COL1A2. Glycine residues within the Gly-Xaa-Yaa repeats of the triple helix domain are required for the structure and stability of fibrillar collagens (PMID: 7695699, 8218237, 19344236). In COL1A2, variants affecting these glycine residues are significantly enriched in individuals with disease (PMID: 9016532, 17078022) compared to the general population (ExAC). Advanced modeling of protein sequence and biophysical properties (such as structural, functional, and spatial information, amino acid conservation, physicochemical variation, residue mobility, and thermodynamic stability) performed at Invitae indicates that this missense variant is expected to disrupt COL1A2 protein function. ClinVar contains an entry for this variant (Variation ID: 1503924). This missense change has been observed in individual(s) with clinical features of osteogenesis imperfecta (Invitae). This variant is not present in population databases (gnomAD no frequency). This sequence change replaces glycine, which is neutral and non-polar, with alanine, which is neutral and non-polar, at codon 787 of the COL1A2 protein (p.Gly787Ala).

Literature cited by the submitters: PubMed 10627137; PubMed 21239989; PubMed 7695699; PubMed 8218237; PubMed 19344236; PubMed 9016532; PubMed 17078022.